The following is an entry in ClinVar:

ClinVar aggregate classification (germline): Pathogenic/Likely pathogenic. Review status: criteria provided, multiple submitters, no conflicts (2 of 4 stars). 3 submissions from 3 submitters: Pathogenic (2); Likely pathogenic (1). Last evaluated 2023-10-19.

Conditions:
Thrombophilia due to protein S deficiency, autosomal recessive (THPH6). Identifiers: Orphanet 743, MedGen C3281092, MONDO:0013791, OMIM 614514. Disease mechanism: loss of function.
Protein S deficiency disease. Also called: Protein S deficiency. Identifiers: MedGen C0242666, MeSH D018455, MONDO:0002304.
Thrombophilia due to protein S deficiency, autosomal dominant (THPH5). Identifiers: Orphanet 26349, Orphanet 743, MedGen C3278211, MONDO:0012868, OMIM 612336. Disease mechanism: loss of function.

Allele frequency attached by ClinVar (database versions not stated): TOPMed below 0.00001; gnomAD 0.00001.
gnomAD v4.1: 4 of 1,609,418 alleles (0.00025%); highest among the groups gnomAD compares: East Asian, 0.0089%; no homozygotes.

Submissions (3):

Labcorp Genetics (formerly Invitae), Labcorp
Classification: Pathogenic for Thrombophilia due to protein S deficiency, autosomal recessive. Last evaluated: 2023-10-19. Review status: criteria provided, single submitter. Criteria: Invitae Variant Classification Sherloc (09022015). Collection method: clinical testing. Allele origin: germline.
Comment: This sequence change creates a premature translational stop signal (p.Tyr560*) in the PROS1 gene. It is expected to result in an absent or disrupted protein product. Loss-of-function variants in PROS1 are known to be pathogenic (PMID: 9241758). This variant is present in population databases (rs199469503, gnomAD 0.03%). This premature translational stop signal has been observed in individual(s) with protein S deficiency (PMID: 22951146, 23813890, 30669159). ClinVar contains an entry for this variant (Variation ID: 627172). For these reasons, this variant has been classified as Pathogenic.

NIHR Bioresource Rare Diseases, University of Cambridge
Classification: Likely pathogenic for Reduced protein S activity. Last evaluated: 2019-02-01. Review status: criteria provided, single submitter. Criteria: ACMG Guidelines, 2015. Collection method: research. Allele origin: unknown. Affected: yes. Observed: 2 heterozygotes. Study: ThromboGenomics.

Juno Genomics, Hangzhou Juno Genomics, Inc
Classification: Pathogenic for Thrombophilia due to protein S deficiency, autosomal dominant; Thrombophilia due to protein S deficiency, autosomal recessive. Review status: criteria provided, single submitter. Criteria: ACMG Guidelines, 2015. Collection method: clinical testing. Allele origin: germline.
Comment: Absent from controls (or at extremely low frequency if recessive) in Genome Aggregation Database.;Null variant in a gene where loss of function (LOF) is a known mechanism of disease.;The prevalence of the variant in affected individuals is significantly increased compared to the prevalence in controls.

Literature cited by the submitters: PubMed 9241758 (cited by Labcorp Genetics (formerly Invitae), Labcorp); PubMed 22951146 (cited by Labcorp Genetics (formerly Invitae), Labcorp); PubMed 23813890 (cited by Labcorp Genetics (formerly Invitae), Labcorp); PubMed 30669159 (cited by Labcorp Genetics (formerly Invitae), Labcorp); PubMed 31064749 (cited by NIHR Bioresource Rare Diseases, University of Cambridge).

NM_000313.4(PROS1):c.1680T>A (p.Tyr560Ter)

Gene: PROS1 (protein S; minus strand). Cytogenetic location: 3q11.1.
Variant type: single nucleotide variant.
Coding change: c.1680T>A on transcript NM_000313.4 (MANE Select); coding-DNA position 1680, T replaced by A.
Protein change: p.Tyr560Ter; replaces tyrosine 560 with a stop codon.
Molecular consequence: nonsense.
Genome position (GRCh38, 1-based): chr3:93,877,156, A>T on the plus strand (T>A on the coding strand, the complement: PROS1 is on the minus strand). VCF-style: chr3-93877156-A-T. GRCh37 (hg19) VCF-style: chr3-93596000-A-T.
Other names: c.1776T>A, p.Tyr592Ter (NM_001314077.2); short protein forms Y560*, Y592*.
Identifiers: ClinVar variation 627172 (VCV000627172.11), dbSNP rs199469503, ClinGen allele CA2503121.